The following is an entry in ClinVar:

NM_001367624.2(ZNF469):c.8065G>A (p.Gly2689Arg)

Gene: ZNF469 (zinc finger protein 469; plus strand). Cytogenetic location: 16q24.2.
Variant type: single nucleotide variant.
Coding change: c.8065G>A on transcript NM_001367624.2 (MANE Select); coding-DNA position 8065, G replaced by A.
Protein change: p.Gly2689Arg; replaces glycine 2689 with arginine.
Molecular consequence: missense variant.
Genome position (GRCh38, 1-based): chr16:88,435,535, G>A. VCF-style: chr16-88435535-G-A. GRCh37 (hg19) VCF-style: chr16-88501943-G-A.
Other names: NM_001127464.1:c.7981G>A; short protein forms G2689R.
Identifiers: ClinVar variation 1761470 (VCV001761470.23), dbSNP rs1446616818, ClinGen allele CA397115796.
Genomic context (GRCh38, chr16:88,435,535, plus strand): 5'-GCCAGTTACGCAGCCTCTCCGAGCCACTGCCTCTCTGTGGAAGGAGGGCCTGAGGCTGAC[G>A]GGGAGCAGCCGCCTCGCTTGGCCACTCTGGGACCTGGGGTGATGGAGGGTGCAGCGGAGA-3'
Protein context (NP_001354553.1, residues 2679-2699): LSVEGGPEAD[Gly2689Arg]EQPPRLATLG

ClinVar aggregate classification (germline): Conflicting classifications of pathogenicity. Review status: criteria provided, conflicting classifications (1 of 4 stars). 2 submissions from 2 submitters: Uncertain significance (1); Likely benign (1). Last evaluated 2025-04-17.

Conditions:
Cardiovascular phenotype. Identifiers: MedGen CN230736.

Allele frequency attached by ClinVar (database versions not stated): gnomAD 0.00003; TOPMed 0.00003.
gnomAD v4.1: 55 of 1,549,414 alleles (0.0035%); highest among the groups gnomAD compares: East Asian, 0.0049%; no homozygotes.

Submissions (2):

Ambry Genetics
Classification: Likely benign for Cardiovascular phenotype. Last evaluated: 2025-04-17. Review status: criteria provided, single submitter. Criteria: Ambry Variant Classification Scheme 2023. Collection method: clinical testing. Allele origin: germline.

CeGaT Center for Human Genetics Tuebingen
Classification: Uncertain significance. Last evaluated: 2025-02-01. Review status: criteria provided, single submitter. Criteria: CeGaT Center For Human Genetics Tuebingen Variant Classification Criteria Version 2. Collection method: clinical testing. Allele origin: germline. Affected: yes. Observed: 2 variant alleles.
Comment: ZNF469: PM2, BP4